The following is an entry in ClinVar:

NM_032043.3(BRIP1):c.3127del (p.Ser1043fs)

Gene: BRIP1 (BRCA1 interacting DNA helicase 1; minus strand). Cytogenetic location: 17q23.2.
Variant type: Deletion.
Coding change: c.3127del on transcript NM_032043.3 (MANE Select); coding-DNA position 3127, one base deleted (A; older notation c.3127delA).
Protein change: p.Ser1043fs; shifts the reading frame from serine 1043.
Molecular consequence: frameshift variant.
Genome position (GRCh38, 1-based): chr17:61,683,919, T deleted on the plus strand (A on the coding strand, the reverse complement: BRIP1 is on the minus strand); the first of 3 consecutive T bases (chr17:61,683,919-61,683,921); deleting any one gives the same sequence. VCF-style (leftmost placement, unchanged base first): chr17-61683918-CT-C. GRCh37 (hg19) VCF-style: chr17-59761279-CT-C.
Other names: c.3127delA (NM_032043.2); short protein forms S1043fs.
Identifiers: ClinVar variation 935832 (VCV000935832.11), dbSNP rs2061318961, ClinGen allele CA1139665744.
Genomic context (GRCh38, chr17:61,683,918, plus strand): 5'-GATGTGTTTACTGTCAGATTTGAGGATTCACATTTATCAGTGAAGGGCAAAACAGTTTTA[CT>C]TTCCATCTTCTCTGTTTTGAAACGGGGAGGACTAGAGGCACTATTCTCTGATGACCCGAG-3'

ClinVar aggregate classification (germline): Uncertain significance. Review status: criteria provided, multiple submitters, no conflicts (2 of 4 stars). 2 submissions from 2 submitters: Uncertain significance (2). Last evaluated 2026-04-07.

Conditions:
Hereditary cancer-predisposing syndrome. Also called: Hereditary Cancer Syndrome; Neoplastic Syndromes, Hereditary; Tumor predisposition; Hereditary neoplastic syndrome. Identifiers: Orphanet 140162, MedGen C0027672, MeSH D009386, MONDO:0015356.
Familial cancer of breast. Also called: BREAST CANCER, FAMILIAL; Hereditary breast cancer; hereditary breast carcinoma. Identifiers: Orphanet 227535, MedGen C0346153, MONDO:0016419, OMIM 114480. Disease mechanism: loss of function.
Fanconi anemia complementation group J. Also called: BRIP1-Related Fanconi Anemia. Identifiers: Orphanet 84, MedGen C1836860, MONDO:0012187, OMIM 609054.

Submissions (2):

Ambry Genetics
Classification: Uncertain significance for Hereditary cancer-predisposing syndrome. Last evaluated: 2026-04-07. Review status: criteria provided, single submitter. Criteria: Ambry Variant Classification Scheme 2023. Collection method: clinical testing. Allele origin: germline.
Comment: The c.3127delA variant, located in coding exon 19 of the BRIP1 gene, results from a deletion of one nucleotide at nucleotide position 3127, causing a translational frameshift with a predicted alternate stop codon (p.S1043Vfs*16). This alteration occurs at the 3' terminus of theBRIP1 gene, is not expected to trigger nonsense-mediated mRNAdecay, and only impacts the last 207 amino acids of the protein. The exact functional effect of this alteration is unknown. Since supporting evidence is limited at this time, the clinical significance of this alteration remains unclear.

Labcorp Genetics (formerly Invitae), Labcorp
Classification: Uncertain significance for Familial cancer of breast; Fanconi anemia complementation group J. Last evaluated: 2025-07-15. Review status: criteria provided, single submitter. Criteria: Invitae Variant Classification Sherloc (09022015). Collection method: clinical testing. Allele origin: germline.
Comment: This sequence change creates a premature translational stop signal (p.Ser1043Valfs*16) in the BRIP1 gene. While this is not anticipated to result in nonsense mediated decay, it is expected to disrupt the last 207 amino acid(s) of the BRIP1 protein. This variant is not present in population databases (gnomAD no frequency). This variant has not been reported in the literature in individuals affected with BRIP1-related conditions. ClinVar contains an entry for this variant (Variation ID: 935832). In summary, the available evidence is currently insufficient to determine the role of this variant in disease. Therefore, it has been classified as a Variant of Uncertain Significance.